The following is an entry in ClinVar:

ClinVar aggregate classification (germline): Uncertain significance (1 of 4 stars; one submission).

Submission:

Ambry Genetics
Classification: Uncertain significance. Last evaluated: 2026-04-28. Review status: criteria provided, single submitter. Criteria: Ambry Variant Classification Scheme 2023. Collection method: clinical testing. Allele origin: germline.
Comment: The c.2077G>C (p.E693Q) alteration is located in exon 8 (coding exon 8) of the GOLGA6L6 gene. This alteration results from a G to C substitution at nucleotide position 2077, causing the glutamic acid (E) at amino acid position 693 to be replaced by a glutamine (Q). Based on data from gnomAD, the C allele has an overall frequency of 0.001% (2/139476) total alleles studied. The highest observed frequency was 0.008% (2/23784) of Latino alleles. Based on insufficient or conflicting evidence, the clinical significance of this alteration remains unclear.

NM_001145004.2(GOLGA6L6):c.1999G>C (p.Glu667Gln)

Gene: GOLGA6L6 (golgin A6 family like 6 (gene/pseudogene); minus strand). Cytogenetic location: 15q11.2.
Variant type: single nucleotide variant.
Coding change: c.1999G>C on transcript NM_001145004.2 (MANE Select); coding-DNA position 1999, G replaced by C.
Protein change: p.Glu667Gln; replaces glutamic acid 667 with glutamine.
Molecular consequence: missense variant.
Genome position (GRCh38, 1-based): chr15:20,534,435, C>G on the plus strand (G>C on the coding strand, the complement: GOLGA6L6 is on the minus strand). VCF-style: chr15-20534435-C-G. GRCh37 (hg19) VCF-style: chr15-20739673-C-G.
Other names: short protein forms E667Q.
Identifiers: ClinVar variation 4858143 (VCV004858143.1).
Genomic context (GRCh38, chr15:20,534,435, plus strand): 5'-ACATCTTCTCCTCCTGCTCCCACATCTTCTCTTCCTGTTCCTGCATCATCTCCTCCTGCT[C>G]TCGTATCTTCTCCTCCTGCTCCCGTATCTTCTTCTCCTGCTCCCTTATCTTCTCCTCCTG-3'
Protein context (NP_001138476.2, residues 657-677): KIREQEEKIR[Glu667Gln]QEEMMQEQEE